The following is an entry in ClinVar:

ClinVar aggregate classification (germline): Pathogenic/Likely pathogenic. Review status: criteria provided, multiple submitters, no conflicts (2 of 4 stars). 2 submissions from 2 submitters: Pathogenic (1); Likely pathogenic (1). Last evaluated 2026-05-07.

Conditions:
Polycystic kidney disease 2 (PKD2). Also called: Polycystic Kidney Disease 2, Autosomal Dominant; POLYCYSTIC KIDNEY DISEASE, ADULT, TYPE II; POLYCYSTIC KIDNEY DISEASE 2 WITH OR WITHOUT POLYCYSTIC LIVER DISEASE. Identifiers: MedGen C2751306, MONDO:0013131, OMIM 613095.

Submissions (2):

Victorian Clinical Genetics Services, Murdoch Childrens Research Institute
Classification: Pathogenic for Polycystic kidney disease 2. Last evaluated: 2026-05-07. Review status: criteria provided, single submitter. Criteria: ACMG Guidelines, 2015. Collection method: clinical testing. Allele origin: germline. Affected: yes.
Comment: This variant is classified as Pathogenic. Evidence in support of pathogenic classification: Variant is predicted to cause nonsense-mediated decay (NMD) and loss of protein (premature termination codon is located at least 54 nucleotides upstream of the final exon-exon junction); Variant is absent from gnomAD (v2, v3 and v4); This variant has limited previous evidence of pathogenicity in an unrelated individual. This variant has been classified as likely pathogenic by a clinical laboratory in ClinVar; Other NMD-predicted variants comparable to the one identified in this case have very strong previous evidence for pathogenicity (DECIPHER). Additional information: This variant is heterozygous; This gene is associated with autosomal dominant disease; Loss of function is a known mechanism of disease in this gene and is associated with polycystic kidney disease 2 (MIM#613095); Inheritance information for this variant is not currently available in this individual.

3billion
Classification: Likely pathogenic for Polycystic kidney disease 2. Last evaluated: 2023-06-29. Review status: criteria provided, single submitter. Criteria: ACMG Guidelines, 2015. Collection method: clinical testing. Allele origin: germline. Affected: yes.
Comment: The variant is not observed in the gnomAD v2.1.1 dataset. Predicted Consequence/Location: Frameshift: predicted to result in a loss or disruption of normal protein function through nonsense-mediated decay (NMD) or protein truncation. Multiple pathogenic variants are reported downstream of the variant. Therefore, this variant is classified as Likely pathogenic according to the recommendation of ACMG/AMP guideline.

NM_000297.4(PKD2):c.1040del (p.Val347fs)

Gene: PKD2 (polycystin 2, transient receptor potential cation channel; plus strand). Cytogenetic location: 4q22.1.
Variant type: Deletion.
Coding change: c.1040del on transcript NM_000297.4 (MANE Select); coding-DNA position 1040, one base deleted (T; older notation c.1040delT).
Protein change: p.Val347fs; shifts the reading frame from valine 347.
Molecular consequence: frameshift variant. On other transcripts: non-coding transcript variant (1).
Genome position (GRCh38, 1-based): chr4:88,038,447, T deleted. VCF-style (leftmost placement, unchanged base first): chr4-88038446-GT-G. GRCh37 (hg19) VCF-style: chr4-88959598-GT-G.
Other names: short protein forms V347fs.
Identifiers: ClinVar variation 3775597 (VCV003775597.2).